The following is an entry in ClinVar:

NM_017636.4(TRPM4):c.2317T>C (p.Phe773Leu)

Gene: TRPM4 (transient receptor potential cation channel subfamily M member 4; plus strand). Cytogenetic location: 19q13.33.
Variant type: single nucleotide variant.
Coding change: c.2317T>C on transcript NM_017636.4 (MANE Select); coding-DNA position 2317, T replaced by C.
Protein change: p.Phe773Leu; replaces phenylalanine 773 with leucine.
Molecular consequence: missense variant. On other transcripts: intron variant (1).
Genome position (GRCh38, 1-based): chr19:49,196,546, T>C. VCF-style: chr19-49196546-T-C. GRCh37 (hg19) VCF-style: chr19-49699803-T-C.
Other names: c.1972T>C, p.Phe658Leu (NM_001321281.2); c.709T>C, p.Phe237Leu (NM_001321282.2); c.1795T>C, p.Phe599Leu (NM_001321283.2); c.1255T>C, p.Phe419Leu (NM_001321285.2); c.2211-3754T>C (NM_001195227.2); short protein forms F658L, F599L, F237L, F419L, F773L.
Identifiers: ClinVar variation 1789504 (VCV001789504.2), dbSNP rs2514177883, ClinGen allele CA406808825.

ClinVar aggregate classification (germline): Uncertain significance (1 of 4 stars; one submission).

Conditions:
Cardiovascular phenotype. Identifiers: MedGen CN230736.

Submission:

Ambry Genetics
Classification: Uncertain significance for Cardiovascular phenotype. Last evaluated: 2018-05-11. Review status: criteria provided, single submitter. Criteria: Ambry Variant Classification Scheme 2023. Collection method: clinical testing. Allele origin: germline.
Comment: The p.F773L variant (also known as c.2317T>C), located in coding exon 17 of the TRPM4 gene, results from a T to C substitution at nucleotide position 2317. The phenylalanine at codon 773 is replaced by leucine, an amino acid with highly similar properties. This amino acid position is poorly conserved in available vertebrate species. In addition, this alteration is predicted to be tolerated by in silico analysis. Since supporting evidence is limited at this time, the clinical significance of this alteration remains unclear.